The following is an entry in ClinVar:

NM_004606.5(TAF1):c.4150_4152del (p.Val1384del)

Gene: TAF1 (TATA-box binding protein associated factor 1; plus strand). Cytogenetic location: Xq13.1.
Variant type: Deletion.
Coding change: c.4150_4152del on transcript NM_004606.5 (MANE Select); coding-DNA positions 4150 to 4152, 3 bases deleted (GTG; older notation c.4150_4152delGTG).
Protein change: p.Val1384del; deletes valine 1384.
Molecular consequence: inframe deletion. On other transcripts: non-coding transcript variant (9).
Genome position (GRCh38, 1-based): chrX:71,407,616-71,407,618, GTG deleted; deleting any 3 consecutive bases within chrX:71,407,614-71,407,618 gives the same sequence; the c. name uses the placement nearest the transcript's 3' end. VCF-style (leftmost placement, unchanged base first): chrX-71407613-ATGG-A. GRCh37 (hg19) VCF-style: chrX-70627463-ATGG-A.
Other names: c.4150_4152del, p.Val1384del (NM_001286074.2); c.4087_4089del, p.Val1363del (NM_138923.4); short protein forms V1363del, V1384del.
Identifiers: ClinVar variation 1312697 (VCV001312697.2), dbSNP rs2148485307, ClinGen allele CA2573055396.

ClinVar aggregate classification (germline): Uncertain significance (1 of 4 stars; one submission).

Submission:

GeneDx
Classification: Uncertain significance. Last evaluated: 2020-06-25. Review status: criteria provided, single submitter. Criteria: GeneDx Variant Classification Process June 2021. Collection method: clinical testing. Allele origin: germline. Affected: yes.
Comment: Not observed in large population cohorts (Lek et al., 2016); In-frame deletion of 1 amino acid in a non-repeat region; In silico analysis supports a deleterious effect on protein structure/function; Has not been previously published as pathogenic or benign to our knowledge